The following is an entry in ClinVar:

NM_213599.3(ANO5):c.2362G>C (p.Asp788His)

Gene: ANO5 (anoctamin 5; plus strand). Cytogenetic location: 11p14.3.
Variant type: single nucleotide variant.
Coding change: c.2362G>C on transcript NM_213599.3 (MANE Select); coding-DNA position 2362, G replaced by C.
Protein change: p.Asp788His; replaces aspartic acid 788 with histidine.
Molecular consequence: missense variant.
Genome position (GRCh38, 1-based): chr11:22,274,695, G>C. VCF-style: chr11-22274695-G-C. GRCh37 (hg19) VCF-style: chr11-22296241-G-C.
Other names: c.2359G>C, p.Asp787His (NM_001142649.2); c.2320G>C, p.Asp774His (NM_001410963.1); c.2317G>C, p.Asp773His (NM_001410964.1); short protein forms D787H, D774H, D773H, D788H.
Identifiers: ClinVar variation 2038804 (VCV002038804.4), dbSNP rs779249709, ClinGen allele CA5923531.

ClinVar aggregate classification (germline): Uncertain significance (1 of 4 stars; one submission).

Conditions:
Gnathodiaphyseal dysplasia (GDD). Also called: GNATHODIAPHYSEAL SCLEROSIS; OSTEOGENESIS IMPERFECTA WITH UNUSUAL SKELETAL LESIONS. Identifiers: Orphanet 53697, MedGen C1833736, MONDO:0008151, OMIM 166260.
Autosomal recessive limb-girdle muscular dystrophy type 2L (LGMDR12). Also called: MUSCULAR DYSTROPHY, LIMB-GIRDLE, AUTOSOMAL RECESSIVE 12; Limb-girdle muscular dystrophy, type 2L; Limb-Girdle Muscular Dystrophy R12 Anoctamin-5-Related (LGMD-R12). Identifiers: Orphanet 206549, MedGen C1969785, MONDO:0012652, OMIM 611307.

Allele frequency attached by ClinVar (database versions not stated): gnomAD 0.00001; ExAC 0.00004; TOPMed 0.00004.
gnomAD v4.1: 8 of 1,613,448 alleles (0.0005%); highest among the groups gnomAD compares: East Asian, 0.016%; no homozygotes.

Submission:

Labcorp Genetics (formerly Invitae), Labcorp
Classification: Uncertain significance for Autosomal recessive limb-girdle muscular dystrophy type 2L; Gnathodiaphyseal dysplasia. Last evaluated: 2025-01-27. Review status: criteria provided, single submitter. Criteria: Invitae Variant Classification Sherloc (09022015). Collection method: clinical testing. Allele origin: germline.
Comment: This sequence change replaces aspartic acid, which is acidic and polar, with histidine, which is basic and polar, at codon 788 of the ANO5 protein (p.Asp788His). This variant is present in population databases (rs779249709, gnomAD 0.04%). This variant has not been reported in the literature in individuals affected with ANO5-related conditions. ClinVar contains an entry for this variant (Variation ID: 2038804). Invitae Evidence Modeling of protein sequence and biophysical properties (such as structural, functional, and spatial information, amino acid conservation, physicochemical variation, residue mobility, and thermodynamic stability) has been performed for this missense variant. However, the output from this modeling did not meet the statistical confidence thresholds required to predict the impact of this variant on ANO5 protein function. In summary, the available evidence is currently insufficient to determine the role of this variant in disease. Therefore, it has been classified as a Variant of Uncertain Significance.